The following is an entry in ClinVar:

NM_001384732.1(CPLANE1):c.8402_8406del (p.Ser2801fs)

Gene: CPLANE1 (ciliogenesis and planar polarity effector complex subunit 1; minus strand). Cytogenetic location: 5p13.2.
Variant type: Deletion.
Coding change: c.8402_8406del on transcript NM_001384732.1 (MANE Select); coding-DNA positions 8402 to 8406, 5 bases deleted (CTTCT; older notation c.8402_8406delCTTCT).
Protein change: p.Ser2801fs; shifts the reading frame from serine 2801.
Molecular consequence: frameshift variant.
Genome position (GRCh38, 1-based): chr5:37,148,236-37,148,240, AGAAG deleted on the plus strand (CTTCT on the coding strand, the reverse complement: CPLANE1 is on the minus strand); deleting any 5 consecutive bases within chr5:37,148,236-37,148,244 gives the same sequence; the c. name uses the placement nearest the transcript's 3' end. VCF-style (leftmost placement, unchanged base first): chr5-37148235-CAGAAG-C. GRCh37 (hg19) VCF-style: chr5-37148337-CAGAAG-C.
Other names: c.8240_8244del, p.Ser2747fs (NM_023073.4); short protein forms S2747fs, S2801fs.
Identifiers: ClinVar variation 2902586 (VCV002902586.3), dbSNP rs760381933, ClinGen allele CA3237791.

ClinVar aggregate classification (germline): Pathogenic (1 of 4 stars; one submission).

Submission:

Labcorp Genetics (formerly Invitae), Labcorp
Classification: Pathogenic. Last evaluated: 2025-08-18. Review status: criteria provided, single submitter. Criteria: Invitae Variant Classification Sherloc (09022015). Collection method: clinical testing. Allele origin: germline.
Comment: This sequence change creates a premature translational stop signal (p.Ser2747Trpfs*3) in the CPLANE1 gene. It is expected to result in an absent or disrupted protein product. Loss-of-function variants in CPLANE1 are known to be pathogenic (PMID: 24178751, 26092869). This variant is present in population databases (rs760381933, gnomAD 0.0009%). This variant has not been reported in the literature in individuals affected with CPLANE1-related conditions. ClinVar contains an entry for this variant (Variation ID: 2902586). For these reasons, this variant has been classified as Pathogenic.

Literature cited by the submitters: PubMed 24178751; PubMed 26092869.